The following is an entry in ClinVar:

ClinVar aggregate classification (germline): Benign/Likely benign. Review status: criteria provided, multiple submitters, no conflicts (2 of 4 stars). 3 submissions from 3 submitters: Benign (2); Likely benign (1). Last evaluated 2023-03-01.

Allele frequency attached by ClinVar (database versions not stated): gnomAD exomes 0.00034 and 0.00068; ExAC 0.00062; ESP Exome Variant Server 0.00085; gnomAD 0.00123 and 0.00128; TOPMed 0.00157; 1000 Genomes Project 0.00300; 1000 Genomes Project 30x 0.00359.
gnomAD v4.1: 705 of 1,614,196 alleles (0.044%); highest among the groups gnomAD compares: African/African-American, 0.35%; 1 homozygote.

Submissions (3):

CeGaT Center for Human Genetics Tuebingen
Classification: Likely benign. Last evaluated: 2023-03-01. Review status: criteria provided, single submitter. Criteria: CeGaT Center For Human Genetics Tuebingen Variant Classification Criteria Version 2. Collection method: clinical testing. Allele origin: germline. Affected: yes. Observed: 1 variant allele.
Comment: UBR4: BP4, BP7, BS1

Labcorp Genetics (formerly Invitae), Labcorp
Classification: Benign. Last evaluated: 2019-12-31. Review status: criteria provided, single submitter. Criteria: Invitae Variant Classification Sherloc (09022015). Collection method: clinical testing. Allele origin: germline.

Breakthrough Genomics
Classification: Benign. Review status: criteria provided, single submitter. Criteria: ACMG Guidelines, 2015. Collection method: not provided. Allele origin: germline. Inheritance: Unknown mechanism. Affected: yes.

NM_020765.3(UBR4):c.5631C>T (p.Tyr1877=)

Gene: UBR4 (ubiquitin protein ligase E3 component n-recognin 4; minus strand). Cytogenetic location: 1p36.13.
Variant type: single nucleotide variant.
Coding change: c.5631C>T on transcript NM_020765.3 (MANE Select); coding-DNA position 5631, C replaced by T.
Protein change: p.Tyr1877=; no amino-acid change (tyrosine 1877 retained).
Molecular consequence: synonymous variant.
Genome position (GRCh38, 1-based): chr1:19,157,944, G>A on the plus strand (C>T on the coding strand, the complement: UBR4 is on the minus strand). VCF-style: chr1-19157944-G-A. GRCh37 (hg19) VCF-style: chr1-19484438-G-A.
Identifiers: ClinVar variation 723645 (VCV000723645.29), dbSNP rs145665616, ClinGen allele CA650510.
Genomic context (GRCh38, chr1:19,157,944, plus strand): 5'-CACCCGCCTGAGCACATGAGCACTGATCAGCTGCCGGATGGTCTGGCCCTGGTCTCCACT[G>A]TAATTCATCCGCACATTCTCAAAGGCACCTTCCTGGGACCCTAAGGTGGGAACCTGGCAA-3'
Protein context (NP_065816.2, residues 1867-1887): EGAFENVRMN[Tyr1877=]SGDQGQTIRQ